The following is an entry in ClinVar:

ClinVar aggregate classification (germline): Uncertain significance (1 of 4 stars; one submission).

Conditions:
Baller-Gerold syndrome (BGS). Also called: CRANIOSYNOSTOSIS WITH RADIAL DEFECTS. Identifiers: Orphanet 1225, MedGen C0265308, MONDO:0009039, OMIM 218600.

Allele frequency attached by ClinVar (database versions not stated): gnomAD exomes below 0.00001.

Submission:

Labcorp Genetics (formerly Invitae), Labcorp
Classification: Uncertain significance for Baller-Gerold syndrome. Last evaluated: 2022-11-01. Review status: criteria provided, single submitter. Criteria: Invitae Variant Classification Sherloc (09022015). Collection method: clinical testing. Allele origin: germline.
Comment: This variant is not present in population databases (gnomAD no frequency). This variant has not been reported in the literature in individuals affected with RECQL4-related conditions. ClinVar contains an entry for this variant (Variation ID: 848375). Advanced modeling of protein sequence and biophysical properties (such as structural, functional, and spatial information, amino acid conservation, physicochemical variation, residue mobility, and thermodynamic stability) performed at Invitae indicates that this missense variant is not expected to disrupt RECQL4 protein function. In summary, the available evidence is currently insufficient to determine the role of this variant in disease. Therefore, it has been classified as a Variant of Uncertain Significance. This sequence change replaces isoleucine, which is neutral and non-polar, with valine, which is neutral and non-polar, at codon 716 of the RECQL4 protein (p.Ile716Val).

NM_004260.4(RECQL4):c.2146A>G (p.Ile716Val)

Gene: RECQL4 (RecQ like helicase 4; minus strand). Cytogenetic location: 8q24.3.
Variant type: single nucleotide variant.
Coding change: c.2146A>G on transcript NM_004260.4 (MANE Select); coding-DNA position 2146, A replaced by G.
Protein change: p.Ile716Val; replaces isoleucine 716 with valine.
Molecular consequence: missense variant.
Genome position (GRCh38, 1-based): chr8:144,513,625, T>C on the plus strand (A>G on the coding strand, the complement: RECQL4 is on the minus strand). VCF-style: chr8-144513625-T-C. GRCh37 (hg19) VCF-style: chr8-145739009-T-C.
Other names: short protein forms I716V.
Identifiers: ClinVar variation 848375 (VCV000848375.6), dbSNP rs1331893787, ClinGen allele CA372679756.